The following is an entry in ClinVar:

NM_001203.3(BMPR1B):c.445C>T (p.Arg149Trp)

Gene: BMPR1B (bone morphogenetic protein receptor type 1B; plus strand). Cytogenetic location: 4q22.3.
Variant type: single nucleotide variant.
Coding change: c.445C>T on transcript NM_001203.3 (MANE Select); coding-DNA position 445, C replaced by T.
Protein change: p.Arg149Trp; replaces arginine 149 with tryptophan.
Molecular consequence: missense variant.
Genome position (GRCh38, 1-based): chr4:95,123,905, C>T. VCF-style: chr4-95123905-C-T. GRCh37 (hg19) VCF-style: chr4-96045056-C-T.
Other names: c.445C>T, p.Arg149Trp (NM_001256792.2, NM_001256794.1); c.535C>T, p.Arg179Trp (NM_001256793.2); short protein forms R149W, R179W.
Identifiers: ClinVar variation 350116 (VCV000350116.41), dbSNP rs34231464, ClinGen allele CA3014973.

ClinVar aggregate classification (germline): Benign. Review status: criteria provided, multiple submitters, no conflicts (2 of 4 stars). 5 submissions from 5 submitters: Benign (4). 1 of the submissions does not count toward it. Last evaluated 2026-01-06.

Conditions:
BMPR1B-related disorder. Also called: BMPR1B-related condition.
Brachydactyly. Also called: Brachydactyly syndrome; Brachydactyly (disease). Identifiers: MedGen C0221357, MONDO:0021004, HP:0001156.
Type A2 brachydactyly (BDA2). Also called: MOHR-WRIEDT TYPE BRACHYDACTYLY; BRACHYMESOPHALANGY II; Brachymesophalangy type 2. Identifiers: Orphanet 93396, MedGen C1832702, MONDO:0007216, OMIM 112600, HP:0009372.
Acromesomelic dysplasia 3 (AMD3). Also called: CHONDRODYSPLASIA, ACROMESOMELIC, WITH OR WITHOUT GENITAL ANOMALIES; Acromesomelic dysplasia, Demirhan type. Identifiers: MedGen C4225404, MONDO:0012274, OMIM 609441.

Allele frequency attached by ClinVar (database versions not stated): gnomAD 0.00024 and 0.00064; TOPMed 0.00031; ESP Exome Variant Server 0.00062; 1000 Genomes Project 30x 0.00234; 1000 Genomes Project 0.00260.
gnomAD v4.1: 1,706 of 1,604,668 alleles (0.11%); highest among the groups gnomAD compares: South Asian, 1.4%; 17 homozygotes.

Submissions (5):

Labcorp Genetics (formerly Invitae), Labcorp
Classification: Benign for Type A2 brachydactyly; Acromesomelic dysplasia 3. Last evaluated: 2026-01-06. Review status: criteria provided, single submitter. Criteria: Invitae Variant Classification Sherloc (09022015). Collection method: clinical testing. Allele origin: germline.

CeGaT Center for Human Genetics Tuebingen
Classification: Benign. Last evaluated: 2023-03-01. Review status: criteria provided, single submitter. Criteria: CeGaT Center For Human Genetics Tuebingen Variant Classification Criteria Version 2. Collection method: clinical testing. Allele origin: germline. Affected: yes. Observed: 1 variant allele.
Comment: BMPR1B: BS1, BS2

Illumina Laboratory Services, Illumina
Classification: Benign for Brachydactyly. Last evaluated: 2018-01-13. Review status: criteria provided, single submitter. Criteria: ICSL Variant Classification Criteria 13 December 2019. Collection method: clinical testing. Allele origin: germline.
Comment: This variant was observed in the ICSL laboratory as part of a predisposition screen in an ostensibly healthy population. It had not been previously curated by ICSL or reported in the Human Gene Mutation Database (HGMD: prior to June 1st, 2018), and was therefore a candidate for classification through an automated scoring system. Utilizing variant allele frequency, disease prevalence and penetrance estimates, and inheritance mode, an automated score was calculated to assess if this variant is too frequent to cause the disease. Based on the score and internal cut-off values, a variant classified as benign is not then subjected to further curation. The score for this variant resulted in a classification of benign for this disease.

Breakthrough Genomics
Classification: Benign. Review status: criteria provided, single submitter. Criteria: ACMG Guidelines, 2015. Collection method: not provided. Allele origin: germline. Inheritance: Autosomal recessive inheritance. Affected: yes.

PreventionGenetics, part of Exact Sciences
Classification: Benign for BMPR1B-related condition. Last evaluated: 2019-09-19. Review status: no assertion criteria provided. Collection method: clinical testing. Allele origin: germline. Not counted in ClinVar's aggregate classification.
Comment: This variant is classified as benign based on ACMG/AMP sequence variant interpretation guidelines (Richards et al. 2015 PMID: 25741868, with internal and published modifications).